The following is an entry in ClinVar:

ClinVar aggregate classification (germline): Pathogenic (1 of 4 stars; one submission).

Submission:

GeneDx
Classification: Pathogenic. Last evaluated: 2024-04-23. Review status: criteria provided, single submitter. Criteria: GeneDx Variant Classification Process June 2021. Collection method: clinical testing. Allele origin: germline. Affected: yes.
Comment: Canonical splice site variant predicted to result in a null allele in a gene for which loss of function is a known mechanism of disease; Not observed at significant frequency in large population cohorts (gnomAD); Has not been previously published as pathogenic or benign to our knowledge

NM_003120.3(SPI1):c.143-2A>C

Gene: SPI1 (Spi-1 proto-oncogene; minus strand). Cytogenetic location: 11p11.2.
Variant type: single nucleotide variant.
Coding change: c.143-2A>C on transcript NM_003120.3 (MANE Select); the canonical splice acceptor site of the intron before coding-DNA position 143, A replaced by C.
Molecular consequence: splice acceptor variant.
Genome position (GRCh38, 1-based): chr11:47,360,042, T>G on the plus strand (A>C on the coding strand, the complement: SPI1 is on the minus strand). VCF-style: chr11-47360042-T-G. GRCh37 (hg19) VCF-style: chr11-47381593-T-G.
Other names: c.146-2A>C (NM_001080547.2).
Identifiers: ClinVar variation 2506651 (VCV002506651.2), dbSNP rs2495813727, ClinGen allele CA380353829.